The following is an entry in ClinVar:

NM_001122630.2(CDKN1C):c.449CTCCGG[3] (p.144AP[6])

Gene: CDKN1C (cyclin dependent kinase inhibitor 1C; minus strand). Cytogenetic location: 11p15.4.
Variant type: Microsatellite.
Coding change: c.449CTCCGG[3] on transcript NM_001122630.2 (MANE Select); three copies in a row of the 6-base unit CTCCGG starting at c.449; the reference has two copies in a row; one copy, 6 bases duplicated.
Protein change: p.144AP[6].
Molecular consequence: inframe insertion. On other transcripts: intron variant (1).
Genome position (GRCh38, 1-based): chr11:2,884,997-2,885,002, CCGGAG duplicated on the plus strand (CTCCGG on the coding strand, the reverse complement: CDKN1C is on the minus strand); duplicating any 6 consecutive bases within chr11:2,884,997-2,885,012 gives the same sequence; the position shown is the placement nearest the transcript's 3' end. VCF-style (leftmost placement, unchanged base first): chr11-2884996-A-ACCGGAG. GRCh37 (hg19) VCF-style: chr11-2906226-A-ACCGGAG.
Other names: c.488_493dup (NM_000076.2); c.482CTCCGG[3], p.155AP[6] (NM_000076.2, NM_001362474.2); c.449CTCCGG[3], p.144AP[6] (NM_001122631.2); c.255+194CTCCGG[3] (NM_001362475.2).
Identifiers: ClinVar variation 577834 (VCV000577834.11), dbSNP rs1245402442, ClinGen allele CA891842861.

ClinVar aggregate classification (germline): Uncertain significance (1 of 4 stars; one submission).

Conditions:
Beckwith-Wiedemann syndrome (BWS). Also called: EMG SYNDROME; Exomphalos macroglossia gigantism syndrome. Identifiers: Orphanet 116, MedGen C0004903, MONDO:0007534, OMIM 130650.

Submission:

Labcorp Genetics (formerly Invitae), Labcorp
Classification: Uncertain significance for Beckwith-Wiedemann syndrome. Last evaluated: 2025-05-05. Review status: criteria provided, single submitter. Criteria: Invitae Variant Classification Sherloc (09022015). Collection method: clinical testing. Allele origin: germline.
Comment: This variant, c.488_493dup, results in the insertion of 2 amino acid(s) of the CDKN1C protein (p.Ala163_Pro164dup), but otherwise preserves the integrity of the reading frame. The frequency data for this variant in the population databases is considered unreliable, as metrics indicate insufficient coverage at this position in the gnomAD database. This variant has not been reported in the literature in individuals affected with CDKN1C-related conditions. ClinVar contains an entry for this variant (Variation ID: 577834). Experimental studies and prediction algorithms are not available or were not evaluated, and the functional significance of this variant is currently unknown. In summary, the available evidence is currently insufficient to determine the role of this variant in disease. Therefore, it has been classified as a Variant of Uncertain Significance.